The following is an entry in ClinVar:

NM_201548.5(CERKL):c.575C>T (p.Pro192Leu)

Gene: CERKL (CERK like autophagy regulator; minus strand). Cytogenetic location: 2q31.3.
Variant type: single nucleotide variant.
Coding change: c.575C>T on transcript NM_201548.5 (MANE Select); coding-DNA position 575, C replaced by T.
Protein change: p.Pro192Leu; replaces proline 192 with leucine.
Molecular consequence: missense variant. On other transcripts: non-coding transcript variant (1), intron variant (2).
Genome position (GRCh38, 1-based): chr2:181,573,791, G>A on the plus strand (C>T on the coding strand, the complement: CERKL is on the minus strand). VCF-style: chr2-181573791-G-A. GRCh37 (hg19) VCF-style: chr2-182438518-G-A.
Other names: c.575C>T, p.Pro192Leu (NM_001030311.3, NM_001030313.3); c.482-24083C>T (NM_001030312.3); c.482-7670C>T (NM_001160277.2); short protein forms P192L.
Identifiers: ClinVar variation 1022259 (VCV001022259.8), dbSNP rs1689009975, ClinGen allele CA349744043.
Genomic context (GRCh38, chr2:181,573,791, plus strand): 5'-TTATATTCTGAAAATTACTTACTTGTTACATCAGTTTTTATTCCTGCAAGCTTCAACAGA[G>A]GTTCAACCTTCTCATAATAAACCTGGGTAGCTTCTTTTTTGTGACTTTGGGGGTTAAGGA-3'
Protein context (NP_963842.1, residues 182-202): ATQVYYEKVE[Pro192Leu]LLKLAGIKTD

ClinVar aggregate classification (germline): Uncertain significance (1 of 4 stars; one submission).

gnomAD v4.1: 1 of 1,612,236 alleles (0.000062%); highest among the groups gnomAD compares: Non-Finnish European, 0.000085%; no homozygotes.

Submission:

Labcorp Genetics (formerly Invitae), Labcorp
Classification: Uncertain significance. Last evaluated: 2024-05-09. Review status: criteria provided, single submitter. Criteria: Invitae Variant Classification Sherloc (09022015). Collection method: clinical testing. Allele origin: germline.
Comment: This sequence change replaces proline, which is neutral and non-polar, with leucine, which is neutral and non-polar, at codon 192 of the CERKL protein (p.Pro192Leu). This variant is not present in population databases (gnomAD no frequency). This variant has not been reported in the literature in individuals affected with CERKL-related conditions. ClinVar contains an entry for this variant (Variation ID: 1022259). Advanced modeling of protein sequence and biophysical properties (such as structural, functional, and spatial information, amino acid conservation, physicochemical variation, residue mobility, and thermodynamic stability) performed at Invitae indicates that this missense variant is expected to disrupt CERKL protein function with a positive predictive value of 80%. In summary, the available evidence is currently insufficient to determine the role of this variant in disease. Therefore, it has been classified as a Variant of Uncertain Significance.